The following is an entry in ClinVar:

ClinVar aggregate classification (germline): Likely benign. Review status: reviewed by expert panel (3 of 4 stars). 2 submissions from 2 submitters: Likely benign (1). 1 of the submissions does not count toward it. Last evaluated 2026-11-20.

Conditions:
RPGR-related retinopathy. Also called: RPGR retinopathy. Identifiers: MedGen CN305589, MONDO:0100437.
Primary ciliary dyskinesia. Also called: Ciliary dyskinesia. Identifiers: Orphanet 244, MedGen C0008780, MONDO:0016575, HP:0012265.

Allele frequency attached by ClinVar (database versions not stated): gnomAD exomes below 0.00001 and 0.00002; ExAC 0.00001; gnomAD 0.00001; 1000 Genomes Project 30x 0.00021; 1000 Genomes Project 0.00026.
gnomAD v4.1: 6 of 1,208,733 alleles (0.0005%); highest among the groups gnomAD compares: African/African-American, 0.01%; no homozygotes.

Submissions (2):

ClinGen X-linked Inherited Retinal Disease Variant Curation Expert Panel, ClinGen
Classification: Likely benign for RPGR-related retinopathy. Last evaluated: 2026-11-20. Review status: reviewed by expert panel. Criteria: ClinGen X LinkedIRD ACMG Specifications RPGR V1.0.0. Collection method: curation. Allele origin: germline. Inheritance: X-linked inheritance.
Comment: NM_001034853.2(RPGR):c.603T>C is a silent variant at codon 201 that does not have an impact at splicing sites according to Splice AI, which predicts a delta score of 0.03 for all splicing types, which is below the ClinGen X-linked IRD VCEP recommended threshold of <0.1 and does not strongly predict an impact on splicing (BP7, BP4). This variant is present in gnomAD v.4.1.0 at a frequency of 0.000002523 among hemizygous individuals, with 1 variant allele/396401 total hemizygous alleles, which is lower than the ClinGen X-linked IRD VCEP PM2 threshold of <0.00005 (PM2_Supporting). In summary, this variant is classified as likely benign for RPGR-related retinopathy based on the ACMG/AMP criteria applied, as specified by the ClinGen X-linked IRD VCEP: BP4 and BP7.

Labcorp Genetics (formerly Invitae), Labcorp
Classification: Likely benign for Primary ciliary dyskinesia. Last evaluated: 2016-10-19. Review status: criteria provided, single submitter. Criteria: Invitae Variant Classification Sherloc (09022015). Collection method: clinical testing. Allele origin: germline. Not counted in ClinVar's aggregate classification.

NM_001034853.2(RPGR):c.603T>C (p.His201=)

Gene: RPGR (retinitis pigmentosa GTPase regulator; minus strand). Cytogenetic location: Xp11.4.
Variant type: single nucleotide variant.
Coding change: c.603T>C on transcript NM_001034853.2 (MANE Select); coding-DNA position 603, T replaced by C.
Protein change: p.His201=; no amino-acid change (histidine 201 retained).
Molecular consequence: synonymous variant. On other transcripts: non-coding transcript variant (5).
Genome position (GRCh38, 1-based): chrX:38,317,332, A>G on the plus strand (T>C on the coding strand, the complement: RPGR is on the minus strand). VCF-style: chrX-38317332-A-G. GRCh37 (hg19) VCF-style: chrX-38176585-A-G.
Other names: NM_001034853.2(RPGR):c.603T>C; p.His201=; c.603T>C, p.His201= (NM_000328.3, NM_001367245.1, NM_001367246.1 and 3 more transcripts); c.633T>C, p.His211= (NM_001367248.1); c.600T>C, p.His200= (NM_001367249.1).
Identifiers: ClinVar variation 414009 (VCV000414009.13), dbSNP rs765580620, ClinGen allele CA10385628.